The following is an entry in ClinVar:

NM_002734.5(PRKAR1A):c.296C>G (p.Ala99Gly)

Gene: PRKAR1A (protein kinase cAMP-dependent type I regulatory subunit alpha; plus strand). Cytogenetic location: 17q24.2.
Variant type: single nucleotide variant.
Coding change: c.296C>G on transcript NM_002734.5 (MANE Select); coding-DNA position 296, C replaced by G.
Protein change: p.Ala99Gly; replaces alanine 99 with glycine.
Molecular consequence: missense variant.
Genome position (GRCh38, 1-based): chr17:68,522,874, C>G. VCF-style: chr17-68522874-C-G. GRCh37 (hg19) VCF-style: chr17-66519015-C-G.
Other names: c.296C>G, p.Ala99Gly (NM_001276289.2, NM_001276290.1, NM_001278433.2 and 4 more transcripts); short protein forms A99G.
Identifiers: ClinVar variation 2773168 (VCV002773168.3), dbSNP rs1568695224, ClinGen allele CA400752408.

ClinVar aggregate classification (germline): Uncertain significance (1 of 4 stars; one submission).

Conditions:
Carney complex, type 1 (CNC1). Also called: CARNEY MYXOMA-ENDOCRINE COMPLEX; CARNEY COMPLEX, TYPE I. Identifiers: Orphanet 1359, MedGen C2607929, MONDO:0008057, OMIM 160980.

Submission:

Labcorp Genetics (formerly Invitae), Labcorp
Classification: Uncertain significance for Carney complex, type 1. Last evaluated: 2023-11-01. Review status: criteria provided, single submitter. Criteria: Invitae Variant Classification Sherloc (09022015). Collection method: clinical testing. Allele origin: germline.
Comment: This sequence change replaces alanine, which is neutral and non-polar, with glycine, which is neutral and non-polar, at codon 99 of the PRKAR1A protein (p.Ala99Gly). This variant is not present in population databases (gnomAD no frequency). This variant has not been reported in the literature in individuals affected with PRKAR1A-related conditions. Advanced modeling of protein sequence and biophysical properties (such as structural, functional, and spatial information, amino acid conservation, physicochemical variation, residue mobility, and thermodynamic stability) performed at Invitae indicates that this missense variant is not expected to disrupt PRKAR1A protein function with a negative predictive value of 80%. In summary, the available evidence is currently insufficient to determine the role of this variant in disease. Therefore, it has been classified as a Variant of Uncertain Significance.